The following is an entry in ClinVar:

ClinVar aggregate classification (germline): Uncertain significance. Review status: criteria provided, multiple submitters, no conflicts (2 of 4 stars). 3 submissions from 3 submitters: Uncertain significance (3). Last evaluated 2023-02-28.

Conditions:
Inborn genetic diseases. Identifiers: MedGen C0950123, MeSH D030342.
Focal and Segmental Glomerulosclerosis, Autosomal recessive.

Allele frequency attached by ClinVar (database versions not stated): gnomAD 0.00002 and 0.00003; gnomAD exomes 0.00004 and 0.00010; TOPMed 0.00006; ESP Exome Variant Server 0.00008; ExAC 0.00009.

Submissions (3):

Clinical Genomics Laboratory, Stanford Medicine
Classification: Uncertain significance for Focal and Segmental Glomerulosclerosis, Autosomal recessive. Last evaluated: 2023-02-28. Review status: criteria provided, single submitter. Criteria: ACMG Guidelines, 2015. Collection method: clinical testing. Allele origin: germline. Observed: 1 variant allele, 1 heterozygote.

GeneDx
Classification: Uncertain significance. Last evaluated: 2022-02-01. Review status: criteria provided, single submitter. Criteria: GeneDx Variant Classification Process June 2021. Collection method: clinical testing. Allele origin: germline. Affected: yes.
Comment: In silico analysis supports that this missense variant does not alter protein structure/function; Has not been previously published as pathogenic or benign to our knowledge

Ambry Genetics
Classification: Uncertain significance for Inborn genetic diseases. Last evaluated: 2021-10-22. Review status: criteria provided, single submitter. Criteria: Ambry Variant Classification Scheme 2023. Collection method: clinical testing. Allele origin: germline.

NM_005245.4(FAT1):c.466G>A (p.Val156Ile)

Gene: FAT1 (FAT atypical cadherin 1; minus strand). Cytogenetic location: 4q35.2.
Variant type: single nucleotide variant.
Coding change: c.466G>A on transcript NM_005245.4 (MANE Select); coding-DNA position 466, G replaced by A.
Protein change: p.Val156Ile; replaces valine 156 with isoleucine.
Molecular consequence: missense variant.
Genome position (GRCh38, 1-based): chr4:186,709,362, C>T on the plus strand (G>A on the coding strand, the complement: FAT1 is on the minus strand). VCF-style: chr4-186709362-C-T. GRCh37 (hg19) VCF-style: chr4-187630516-C-T.
Other names: short protein forms V156I.
Identifiers: ClinVar variation 1700406 (VCV001700406.6), dbSNP rs376750393, ClinGen allele CA3167664.
Genomic context (GRCh38, chr4:186,709,362, plus strand): 5'-CATCCGTGGCGCTGACTCTTGCGATACTGGTCCTTATAGCTGTGTTTTCAGGTAAAGAAA[C>T]GCTGTATGAGGTGGGTGAGAATAACGGTCTCAAGTCATTTGTATCCAGCACCTGCACCCT-3'
Protein context (NP_005236.2, residues 146-166): RPLFSPTSYS[Val156Ile]SLPENTAIRT